The following is an entry in ClinVar:

ClinVar aggregate classification (germline): Pathogenic/Likely pathogenic. Review status: criteria provided, multiple submitters, no conflicts (2 of 4 stars). 2 submissions from 2 submitters: Pathogenic (1); Likely pathogenic (1). Last evaluated 2024-05-28.

Conditions:
Primary hyperoxaluria, type II (HP2). Also called: OXALOSIS II; Primary hyperoxaluria type 2; D-GLYCERATE DEHYDROGENASE DEFICIENCY; GLYCERIC ACIDURIA; GLYOXYLATE REDUCTASE/HYDROXYPYRUVATE REDUCTASE DEFICIENCY. Identifiers: Orphanet 416, Orphanet 93599, MedGen C0268165, MONDO:0009824, OMIM 260000. Disease mechanism: loss of function.

Allele frequency attached by ClinVar (database versions not stated): gnomAD exomes below 0.00001; TOPMed 0.00001.

Submissions (2):

Fulgent Genetics
Classification: Likely pathogenic for Primary hyperoxaluria, type II. Last evaluated: 2024-05-28. Review status: criteria provided, single submitter. Criteria: ACMG Guidelines, 2015. Collection method: clinical testing. Allele origin: germline.

Thalassemia Center, San Luigi University Hospital
Classification: Pathogenic for Primary hyperoxaluria, type II. Last evaluated: 2023-10-27. Review status: criteria provided, single submitter. Criteria: ACMG Guidelines, 2015. Collection method: clinical testing. Allele origin: germline. Affected: yes.
Comment: ACMG:PVS1 PM2 PM3 PP4

NM_012203.2(GRHPR):c.494-2A>G

Gene: GRHPR (glyoxylate and hydroxypyruvate reductase; plus strand). Cytogenetic location: 9p13.2.
Variant type: single nucleotide variant.
Coding change: c.494-2A>G on transcript NM_012203.2 (MANE Select); the canonical splice acceptor site of the intron before coding-DNA position 494, A replaced by G.
Molecular consequence: splice acceptor variant.
Genome position (GRCh38, 1-based): chr9:37,429,730, A>G. VCF-style: chr9-37429730-A-G. GRCh37 (hg19) VCF-style: chr9-37429727-A-G.
Identifiers: ClinVar variation 2671862 (VCV002671862.2), dbSNP rs1823266560, ClinGen allele CA373442940.